The following is an entry in ClinVar:

NM_133433.4(NIPBL):c.6819G>T (p.Gly2273=)

Gene: NIPBL (NIPBL cohesin loading factor; plus strand). Cytogenetic location: 5p13.2.
Variant type: single nucleotide variant.
Coding change: c.6819G>T on transcript NM_133433.4 (MANE Select); coding-DNA position 6819, G replaced by T.
Protein change: p.Gly2273=; no amino-acid change (glycine 2273 retained).
Molecular consequence: synonymous variant.
Genome position (GRCh38, 1-based): chr5:37,049,166, G>T. VCF-style: chr5-37049166-G-T. GRCh37 (hg19) VCF-style: chr5-37049268-G-T.
Other names: c.6819G>T, p.Gly2273= (NM_015384.5).
Identifiers: ClinVar variation 1711860 (VCV001711860.3), dbSNP rs778420641, ClinGen allele CA443907951.

ClinVar aggregate classification (germline): Pathogenic (0 of 4 stars; one submission).

Conditions:
Cornelia de Lange syndrome 1 (CDLS1). Also called: TYPUS DEGENERATIVUS AMSTELODAMENSIS; Brachmann de Lange syndrome; NIPBL-Related Cornelia de Lange Syndrome. Identifiers: Orphanet 199, MedGen C4551851, MONDO:0007387, OMIM 122470.

Submission:

Center for Medical Genetics and Genomics, The Second Affiliated Hospital of Guangxi Medical University
Classification: Pathogenic for Cornelia de Lange syndrome 1. Last evaluated: 2022-02-17. Review status: no assertion criteria provided. Collection method: research. Allele origin: de novo. Inheritance: Autosomal dominant inheritance. Affected: yes.
Comment: reverse transcriptase-polymerase chain reaction (RT-PCR) was conducted and confirmed that the variant activated a cryptic splice donor generating a short transcript of NIPBL. A loss of 137bp nucleotides at the 3' end of the NIPBL exon 40 was detected, which potentially change the open reading frame via inserting multiple premature termination codons.